The following is an entry in ClinVar:

NM_003072.5(SMARCA4):c.4268C>T (p.Thr1423Ile)

Gene: SMARCA4 (SWI/SNF related BAF chromatin remodeling complex subunit ATPase 4; plus strand). Cytogenetic location: 19p13.2.
Variant type: single nucleotide variant.
Coding change: c.4268C>T on transcript NM_003072.5 (MANE Select); coding-DNA position 4268, C replaced by T.
Protein change: p.Thr1423Ile; replaces threonine 1423 with isoleucine.
Molecular consequence: missense variant. On other transcripts: non-coding transcript variant (1).
Genome position (GRCh38, 1-based): chr19:11,041,404, C>T. VCF-style: chr19-11041404-C-T. GRCh37 (hg19) VCF-style: chr19-11152080-C-T.
Other names: c.4268C>T, p.Thr1423Ile (NM_001128844.3); c.4178C>T, p.Thr1393Ile (NM_001128845.2, NM_001128846.2); c.4169C>T, p.Thr1390Ile (NM_001128847.4, NM_001128848.2, NM_001374457.1); c.4364C>T, p.Thr1455Ile (NM_001128849.3, NM_001387283.1); c.4265C>T, p.Thr1422Ile (NM_001411150.1); short protein forms T1422I, T1423I, T1455I, T1390I, T1393I.
Identifiers: ClinVar variation 4170148 (VCV004170148.1).

ClinVar aggregate classification (germline): Uncertain significance (1 of 4 stars; one submission).

Conditions:
Hereditary cancer-predisposing syndrome. Also called: Neoplastic Syndromes, Hereditary; Tumor predisposition; Hereditary Cancer Syndrome; Hereditary neoplastic syndrome. Identifiers: Orphanet 140162, MedGen C0027672, MeSH D009386, MONDO:0015356.

gnomAD v4.1: 1 of 1,612,402 alleles (0.000062%); no homozygotes.

Submission:

Ambry Genetics
Classification: Uncertain significance for Hereditary cancer-predisposing syndrome. Last evaluated: 2025-07-05. Review status: criteria provided, single submitter. Criteria: Ambry Variant Classification Scheme 2023. Collection method: clinical testing. Allele origin: germline.
Comment: The p.T1455I variant (also known as c.4364C>T), located in coding exon 30 of the SMARCA4 gene, results from a C to T substitution at nucleotide position 4364. The threonine at codon 1455 is replaced by isoleucine, an amino acid with similar properties. This amino acid position is conserved. In addition, this alteration is predicted to be tolerated by in silico analysis. Based on the available evidence, the clinical significance of this variant remains unclear.